The following is an entry in ClinVar:

NM_014283.5(SUCO):c.480A>T (p.Lys160Asn)

Gene: SUCO (SUN domain containing ossification factor; plus strand). Cytogenetic location: 1q24.3.
Variant type: single nucleotide variant.
Coding change: c.480A>T on transcript NM_014283.5 (MANE Select); coding-DNA position 480, A replaced by T.
Protein change: p.Lys160Asn; replaces lysine 160 with asparagine.
Molecular consequence: missense variant. On other transcripts: 5 prime UTR variant (1).
Genome position (GRCh38, 1-based): chr1:172,557,316, A>T. VCF-style: chr1-172557316-A-T. GRCh37 (hg19) VCF-style: chr1-172526456-A-T.
Other names: c.369A>T, p.Lys123Asn (NM_001282750.2); c.-1050A>T (NM_001282751.2); c.954A>T, p.Lys318Asn (NM_016227.4); short protein forms K318N, K123N, K160N.
Identifiers: ClinVar variation 2780592 (VCV002780592.3), dbSNP rs2527280265, ClinGen allele CA343734922.

ClinVar aggregate classification (germline): Uncertain significance (1 of 4 stars; one submission).

Allele frequency attached by ClinVar (database versions not stated): gnomAD exomes below 0.00001.
gnomAD v4.1: 1 of 1,613,984 alleles (0.000062%); highest among the groups gnomAD compares: Non-Finnish European, 0.000085%; no homozygotes.

Submission:

Labcorp Genetics (formerly Invitae), Labcorp
Classification: Uncertain significance. Last evaluated: 2023-09-30. Review status: criteria provided, single submitter. Criteria: Invitae Variant Classification Sherloc (09022015). Collection method: clinical testing. Allele origin: germline.
Comment: This sequence change replaces lysine, which is basic and polar, with asparagine, which is neutral and polar, at codon 160 of the SUCO protein (p.Lys160Asn). This variant is not present in population databases (gnomAD no frequency). This variant has not been reported in the literature in individuals affected with SUCO-related conditions. Algorithms developed to predict the effect of missense changes on protein structure and function output the following: SIFT: "Not Available"; PolyPhen-2: "Benign"; Align-GVGD: "Not Available". The asparagine amino acid residue is found in multiple mammalian species, which suggests that this missense change does not adversely affect protein function. In summary, the available evidence is currently insufficient to determine the role of this variant in disease. Therefore, it has been classified as a Variant of Uncertain Significance.